The following is an entry in ClinVar:

ClinVar aggregate classification (germline): Benign. Review status: criteria provided, multiple submitters, no conflicts (2 of 4 stars). 3 submissions from 3 submitters: Benign (3). Last evaluated 2026-09-01.

Allele frequency attached by ClinVar (database versions not stated): gnomAD 0.00663 and 0.00657; ExAC 0.00750; gnomAD exomes 0.00760 and 0.01059; ESP Exome Variant Server 0.00838; 1000 Genomes Project 30x 0.00422; 1000 Genomes Project 0.00439; TOPMed 0.00648.
gnomAD v4.1: 16,424 of 1,613,514 alleles (1%); highest among the groups gnomAD compares: South Asian, 1.3%; 128 homozygotes.

Submissions (3):

CeGaT Center for Human Genetics Tuebingen
Classification: Benign. Last evaluated: 2026-09-01. Review status: criteria provided, single submitter. Criteria: CeGaT Center For Human Genetics Tuebingen Variant Classification Criteria Version 2. Collection method: clinical testing. Allele origin: germline. Affected: yes. Observed: 98 variant alleles.
Comment: GRIA4: BP4, BP7, BS1, BS2

Labcorp Genetics (formerly Invitae), Labcorp
Classification: Benign. Last evaluated: 2019-12-31. Review status: criteria provided, single submitter. Criteria: Invitae Variant Classification Sherloc (09022015). Collection method: clinical testing. Allele origin: germline.

Breakthrough Genomics
Classification: Benign. Review status: criteria provided, single submitter. Criteria: ACMG Guidelines, 2015. Collection method: not provided. Allele origin: germline. Inheritance: Autosomal dominant inheritance. Affected: yes.

NM_000829.4(GRIA4):c.436C>T (p.Leu146=)

Genes: GRIA4 (glutamate ionotropic receptor AMPA type subunit 4; plus strand), LOC126861324 (CDK7 strongly-dependent group 2 enhancer GRCh37_chr11:105623830-105625029; plus strand). Cytogenetic location: 11q22.3.
Variant type: single nucleotide variant.
Coding change: c.436C>T on transcript NM_000829.4 (MANE Select); coding-DNA position 436, C replaced by T.
Protein change: p.Leu146=; no amino-acid change (leucine 146 retained).
Molecular consequence: synonymous variant. On other transcripts: non-coding transcript variant (1).
Genome position (GRCh38, 1-based): chr11:105,753,169, C>T. VCF-style: chr11-105753169-C-T. GRCh37 (hg19) VCF-style: chr11-105623895-C-T.
Other names: c.436C>T, p.Leu146= (NM_001077243.3, NM_001077244.2, NM_001112812.2).
Identifiers: ClinVar variation 781814 (VCV000781814.36), dbSNP rs2229878, ClinGen allele CA6258368.
Genomic context (GRCh38, chr11:105,753,169, plus strand): 5'-GGGGAGAGCCAGTTTGTGCTGCAACTAAGACCTTCGTTACGAGGAGCACTCTTGAGTTTG[C>T]TGGATCACTACGAATGGAACTGTTTTGTCTTCCTGTATGACACAGACAGGGGTAAGTCCA-3'
Protein context (NP_000820.4, residues 136-156): PSLRGALLSL[Leu146=]DHYEWNCFVF